The following is an entry in ClinVar:

ClinVar aggregate classification (germline): Uncertain significance (1 of 4 stars; one submission).

Submission:

Labcorp Genetics (formerly Invitae), Labcorp
Classification: Uncertain significance. Last evaluated: 2020-12-07. Review status: criteria provided, single submitter. Criteria: Invitae Variant Classification Sherloc (09022015). Collection method: clinical testing. Allele origin: germline.
Comment: This variant has not been reported in the literature in individuals with POLE-related conditions. This variant is not present in population databases (ExAC no frequency). This sequence change replaces phenylalanine with leucine at codon 1821 of the POLE protein (p.Phe1821Leu). The phenylalanine residue is highly conserved and there is a small physicochemical difference between phenylalanine and leucine. Algorithms developed to predict the effect of missense changes on protein structure and function are either unavailable or do not agree on the potential impact of this missense change (SIFT: "Tolerated"; PolyPhen-2: "Possibly Damaging"; Align-GVGD: "Class C0"). In summary, the available evidence is currently insufficient to determine the role of this variant in disease. Therefore, it has been classified as a Variant of Uncertain Significance.

NM_006231.4(POLE):c.5463C>A (p.Phe1821Leu)

Gene: POLE (DNA polymerase epsilon, catalytic subunit; minus strand). Cytogenetic location: 12q24.33.
Variant type: single nucleotide variant.
Coding change: c.5463C>A on transcript NM_006231.4 (MANE Select); coding-DNA position 5463, C replaced by A.
Protein change: p.Phe1821Leu; replaces phenylalanine 1821 with leucine.
Molecular consequence: missense variant.
Genome position (GRCh38, 1-based): chr12:132,639,214, G>T on the plus strand (C>A on the coding strand, the complement: POLE is on the minus strand). VCF-style: chr12-132639214-G-T. GRCh37 (hg19) VCF-style: chr12-133215800-G-T.
Other names: short protein forms F1821L.
Identifiers: ClinVar variation 840428 (VCV000840428.9), dbSNP rs1593721930, ClinGen allele CA387374723.